The following is an entry in ClinVar:

ClinVar aggregate classification (germline): Uncertain significance (1 of 4 stars; one submission).

Submission:

GeneDx
Classification: Uncertain significance. Last evaluated: 2023-10-20. Review status: criteria provided, single submitter. Criteria: GeneDx Variant Classification Process June 2021. Collection method: clinical testing. Allele origin: germline. Affected: yes.
Comment: Not observed at significant frequency in large population cohorts (gnomAD); In silico analysis supports that this missense variant does not alter protein structure/function; Has not been previously published as pathogenic or benign to our knowledge

NM_001374828.1(ARID1B):c.262G>A (p.Ala88Thr)

Genes: ARID1B (AT-rich interaction domain 1B; plus strand), LOC115308161 (uncharacterized LOC115308161; minus strand), LOC129997523 (ATAC-STARR-seq lymphoblastoid silent region 17710; plus strand). Cytogenetic location: 6q25.3.
Variant type: single nucleotide variant.
Coding change: c.262G>A on transcript NM_001374828.1 (MANE Select); coding-DNA position 262, G replaced by A.
Protein change: p.Ala88Thr; replaces alanine 88 with threonine.
Molecular consequence: missense variant.
Genome position (GRCh38, 1-based): chr6:156,777,942, G>A. VCF-style: chr6-156777942-G-A. GRCh37 (hg19) VCF-style: chr6-157099076-G-A.
Other names: c.262G>A, p.Ala88Thr (NM_001371656.1, NM_001374820.1, NM_017519.3); c.13G>A (NM_020732.3); short protein forms A88T.
Identifiers: ClinVar variation 3363363 (VCV003363363.1).